The following is an entry in ClinVar:

ClinVar aggregate classification (germline): Uncertain significance. Review status: criteria provided, multiple submitters, no conflicts (2 of 4 stars). 2 submissions from 2 submitters: Uncertain significance (2). Last evaluated 2024-12-19.

Conditions:
LGI1-related disorder. Also called: LGI1-related condition.
Autosomal dominant epilepsy with auditory features. Identifiers: Orphanet 101046, MedGen C1838062, MONDO:0010898.

Allele frequency attached by ClinVar (database versions not stated): gnomAD 0.00001; TOPMed 0.00001.

Submissions (2):

PreventionGenetics, part of Exact Sciences
Classification: Uncertain significance for LGI1-related condition. Last evaluated: 2024-12-19. Review status: criteria provided, single submitter. Criteria: ACMG Guidelines, 2015. Collection method: clinical testing. Allele origin: germline.
Comment: The LGI1 c.1525G>A variant is predicted to result in the amino acid substitution p.Ala509Thr. To our knowledge, this variant has not been reported in the literature. This variant is reported in 0.011% of alleles in individuals of African descent in gnomAD. At this time, the clinical significance of this variant is uncertain due to the absence of conclusive functional and genetic evidence.

Labcorp Genetics (formerly Invitae), Labcorp
Classification: Uncertain significance for Autosomal dominant epilepsy with auditory features. Last evaluated: 2023-08-29. Review status: criteria provided, single submitter. Criteria: Invitae Variant Classification Sherloc (09022015). Collection method: clinical testing. Allele origin: germline.
Comment: In summary, the available evidence is currently insufficient to determine the role of this variant in disease. Therefore, it has been classified as a Variant of Uncertain Significance. Advanced modeling of protein sequence and biophysical properties (such as structural, functional, and spatial information, amino acid conservation, physicochemical variation, residue mobility, and thermodynamic stability) performed at Invitae indicates that this missense variant is not expected to disrupt LGI1 protein function. This variant has not been reported in the literature in individuals affected with LGI1-related conditions. This variant is present in population databases (no rsID available, gnomAD 0.01%). This sequence change replaces alanine, which is neutral and non-polar, with threonine, which is neutral and polar, at codon 509 of the LGI1 protein (p.Ala509Thr).

NM_005097.4(LGI1):c.1525G>A (p.Ala509Thr)

Gene: LGI1 (leucine rich glioma inactivated 1; plus strand). Cytogenetic location: 10q23.33.
Variant type: single nucleotide variant.
Coding change: c.1525G>A on transcript NM_005097.4 (MANE Select); coding-DNA position 1525, G replaced by A.
Protein change: p.Ala509Thr; replaces alanine 509 with threonine.
Molecular consequence: missense variant. On other transcripts: non-coding transcript variant (1), intron variant (1).
Genome position (GRCh38, 1-based): chr10:93,797,654, G>A. VCF-style: chr10-93797654-G-A. GRCh37 (hg19) VCF-style: chr10-95557411-G-A.
Other names: c.1525G>A (NM_005097.3); c.1381G>A, p.Ala461Thr (NM_001308276.2); c.839-95G>A (NM_001308275.2); short protein forms A509T, A461T.
Identifiers: ClinVar variation 2756294 (VCV002756294.4), dbSNP rs946774900, ClinGen allele CA211585856.